The following is an entry in ClinVar:

NM_007294.4(BRCA1):c.5252G>T (p.Arg1751Leu)

Gene: BRCA1 (BRCA1 DNA repair associated; minus strand). Cytogenetic location: 17q21.31.
Variant type: single nucleotide variant.
Coding change: c.5252G>T on transcript NM_007294.4 (MANE Select); coding-DNA position 5252, G replaced by T.
Protein change: p.Arg1751Leu; replaces arginine 1751 with leucine.
Molecular consequence: missense variant. On other transcripts: non-coding transcript variant (1).
Genome position (GRCh38, 1-based): chr17:43,057,077, C>A on the plus strand (G>T on the coding strand, the complement: BRCA1 is on the minus strand). VCF-style: chr17-43057077-C-A. GRCh37 (hg19) VCF-style: chr17-41209094-C-A.
Other names: p.Arg1751Leu; c.5039G>T, p.Arg1680Leu (NM_001407571.1, NM_001407894.1, NM_001407895.1 and 12 more transcripts); c.5318G>T, p.Arg1773Leu (NM_001407581.1, NM_001407582.1); c.5315G>T, p.Arg1772Leu (NM_001407583.1, NM_001407585.1, NM_001407587.1 and 1 more transcripts); c.5312G>T, p.Arg1771Leu (NM_001407590.1, NM_001407591.1); c.5252G>T, p.Arg1751Leu (NM_001407593.1, NM_001407594.1, NM_001407596.1 and 7 more transcripts); c.5249G>T, p.Arg1750Leu (NM_001407616.1, NM_001407617.1, NM_001407618.1 and 17 more transcripts); c.5246G>T, p.Arg1749Leu (NM_001407635.1, NM_001407636.1, NM_001407637.1 and 14 more transcripts); and 73 more; short protein forms R1751L, R647L, R1704L, R1772L, R1454L, R1640L, R1681L, R1703L.
Identifiers: ClinVar variation 531284 (VCV000531284.14), dbSNP rs80357442, ClinGen allele CA10591044.
Genomic context (GRCh38, chr17:43,057,077, plus strand): 5'-TGAGATTTTTGTCAACTTGAGGGAGGGAGCTTTACCTTTCTGTCCTGGGATTCTCTTGCT[C>A]GCTTTGGACCTTGGTGGTTTCTTCCATTGACCACATCTCCTCTGACTTCAAAATCATGCT-3'
Protein context (NP_009225.1, residues 1741-1761): VNGRNHQGPK[Arg1751Leu]ARESQDRKIF

ClinVar aggregate classification (germline): Uncertain significance. Review status: criteria provided, multiple submitters, no conflicts (2 of 4 stars). 3 submissions from 3 submitters: Uncertain significance (3). Last evaluated 2025-12-28.

Conditions:
Hereditary cancer-predisposing syndrome. Also called: Tumor predisposition; Hereditary Cancer Syndrome; Hereditary neoplastic syndrome; Neoplastic Syndromes, Hereditary. Identifiers: Orphanet 140162, MedGen C0027672, MeSH D009386, MONDO:0015356.
Hereditary breast ovarian cancer syndrome. Also called: Breast and ovarian cancer; Hereditary breast and/or ovarian cancer syndrome; BRCA1- and BRCA2-Associated Hereditary Breast and Ovarian Cancer; Hereditary breast and ovarian cancer syndrome; Hereditary breast and ovarian cancer syndrome (HBOC); Hereditary breast and ovarian cancer. Identifiers: Orphanet 145, MedGen C0677776, MeSH D061325, MONDO:0003582. Disease mechanism: loss of function.

Submissions (4):

Labcorp Genetics (formerly Invitae), Labcorp
Classification: Uncertain significance for Hereditary breast ovarian cancer syndrome. Last evaluated: 2025-12-28. Review status: criteria provided, single submitter. Criteria: Invitae Variant Classification Sherloc (09022015). Collection method: clinical testing. Allele origin: germline.
Comment: This sequence change replaces arginine, which is basic and polar, with leucine, which is neutral and non-polar, at codon 1751 of the BRCA1 protein (p.Arg1751Leu). This variant is not present in population databases (gnomAD no frequency). This variant has not been reported in the literature in individuals affected with BRCA1-related conditions. ClinVar contains an entry for this variant (Variation ID: 531284). Invitae Evidence Modeling incorporating data from in vitro experimental studies (PMID: 30209399) indicates that this missense variant is not expected to disrupt BRCA1 function with a negative predictive value of 95%. In summary, the available evidence is currently insufficient to determine the role of this variant in disease. Therefore, it has been classified as a Variant of Uncertain Significance.

Mayo Clinic Laboratories, Mayo Clinic
Classification: Uncertain significance. Last evaluated: 2025-10-13. Review status: criteria provided, single submitter. Criteria: ACMG Guidelines, 2015. Collection method: clinical testing. Allele origin: germline. Observed: 1 variant allele.
Comment: BS3, PP3, PM2_supporting

Ambry Genetics
Classification: Uncertain significance for Hereditary cancer-predisposing syndrome. Last evaluated: 2024-03-23. Review status: criteria provided, single submitter. Criteria: Ambry Variant Classification Scheme 2023. Collection method: clinical testing. Allele origin: germline.
Comment: The p.R1751L variant (also known as c.5252G>T), located in coding exon 18 of the BRCA1 gene, results from a G to T substitution at nucleotide position 5252. The arginine at codon 1751 is replaced by leucine, an amino acid with dissimilar properties. One functional study found that this nucleotide substitution is functional in a high throughput genome editing haploid cell survival assay (Findlay GM et al. Nature, 2018 Oct;562:217-222). This amino acid position is highly conserved in available vertebrate species. In addition, this alteration is predicted to be deleterious by in silico analysis. Based on the available evidence, the clinical significance of this alteration remains unclear.

Brotman Baty Institute, University of Washington
No classification provided (evidence only). Condition: Breast-ovarian cancer, familial 1. Review status: no classification provided. Collection method: in vitro. Allele origin: not applicable. Functional consequence: functionally_normal. Not counted in ClinVar's aggregate classification.
ClinVar note: "not provided" was previously submitted as the classification for the variant. However, the classification appeared to be based only on an observation of functional data so it was converted to no classification on 2025-07-30.

Literature cited by the submitters: PubMed 30209399 (cited by 3 submitters); PubMed 30765603 (cited by Mayo Clinic Laboratories, Mayo Clinic).